The following is an entry in ClinVar:

NM_001197104.2(KMT2A):c.10391G>A (p.Ser3464Asn)

Gene: KMT2A (lysine methyltransferase 2A; plus strand). Cytogenetic location: 11q23.3.
Variant type: single nucleotide variant.
Coding change: c.10391G>A on transcript NM_001197104.2 (MANE Select); coding-DNA position 10391, G replaced by A.
Protein change: p.Ser3464Asn; replaces serine 3464 with asparagine.
Molecular consequence: missense variant.
Genome position (GRCh38, 1-based): chr11:118,506,283, G>A. VCF-style: chr11-118506283-G-A. GRCh37 (hg19) VCF-style: chr11-118376998-G-A.
Other names: c.10481G>A, p.Ser3494Asn (NM_001412597.1); c.10382G>A, p.Ser3461Asn (NM_005933.4); short protein forms S3461N, S3464N, S3494N.
Identifiers: ClinVar variation 2504958 (VCV002504958.2), dbSNP rs2134412322, ClinGen allele CA382825605.

ClinVar aggregate classification (germline): Uncertain significance (1 of 4 stars; one submission).

Submission:

GeneDx
Classification: Uncertain significance. Last evaluated: 2025-03-18. Review status: criteria provided, single submitter. Criteria: GeneDx Variant Classification Process June 2021. Collection method: clinical testing. Allele origin: germline.
Comment: Not observed at significant frequency in large population cohorts (gnomAD); In silico analysis indicates that this missense variant does not alter protein structure/function; Has not been previously published as pathogenic or benign to our knowledge